The following is an entry in ClinVar:

NM_001080414.4(CCDC88C):c.5183T>C (p.Phe1728Ser)

Gene: CCDC88C (coiled-coil and HOOK domain protein 88C; minus strand). Cytogenetic location: 14q32.11.
Variant type: single nucleotide variant.
Coding change: c.5183T>C on transcript NM_001080414.4 (MANE Select); coding-DNA position 5183, T replaced by C.
Protein change: p.Phe1728Ser; replaces phenylalanine 1728 with serine.
Molecular consequence: missense variant.
Genome position (GRCh38, 1-based): chr14:91,273,529, A>G on the plus strand (T>C on the coding strand, the complement: CCDC88C is on the minus strand). VCF-style: chr14-91273529-A-G. GRCh37 (hg19) VCF-style: chr14-91739873-A-G.
Other names: p.Phe1728Ser; short protein forms F1728S.
Identifiers: ClinVar variation 711611 (VCV000711611.11), dbSNP rs7145583, ClinGen allele CA7308715.
Genomic context (GRCh38, chr14:91,273,529, plus strand): 5'-CCGGGCTTCAGCGGCCTCCCCTCCGAGGTGGGGGCGGCCATTTTGACGGTGGGGGCCACA[A>G]AGTTGGTGGGCATCTTGGCCCCTTCTTTCTTGGCAGGTGGTCCTGGTTGGCCTCCGATGG-3'
Protein context (NP_001073883.2, residues 1718-1738): KKEGAKMPTN[Phe1728Ser]VAPTVKMAAP

ClinVar aggregate classification (germline): Benign/Likely benign. Review status: criteria provided, multiple submitters, no conflicts (2 of 4 stars). 3 submissions from 3 submitters: Benign (2); Likely benign (1). Last evaluated 2026-01-27.

Conditions:
Spinocerebellar ataxia type 40. Identifiers: Orphanet 423275, MedGen C4518336, MONDO:0014475, OMIM 616053.
Hydrocephalus, nonsyndromic, autosomal recessive 1 (HYC1). Also called: Hydrocephalus, nonsyndromic, autosomal recessive; Congenital hydrocephalus 1. Identifiers: Orphanet 2185, MedGen C3887608, MONDO:0009360, OMIM 236600.

Allele frequency attached by ClinVar (database versions not stated): gnomAD exomes 0.00042 and 0.00168; ExAC 0.00189; ESP Exome Variant Server 0.00525; gnomAD 0.00551 and 0.00602; 1000 Genomes Project 0.00559; 1000 Genomes Project 30x 0.00593; TOPMed 0.00616.
gnomAD v4.1: 1,433 of 1,526,322 alleles (0.094%); highest among the groups gnomAD compares: African/African-American, 1.8%; 9 homozygotes.

Submissions (3):

Labcorp Genetics (formerly Invitae), Labcorp
Classification: Benign. Last evaluated: 2026-01-27. Review status: criteria provided, single submitter. Criteria: Invitae Variant Classification Sherloc (09022015). Collection method: clinical testing. Allele origin: germline.

Mayo Clinic Laboratories, Mayo Clinic
Classification: Benign. Last evaluated: 2024-01-02. Review status: criteria provided, single submitter. Criteria: ACMG Guidelines, 2015. Collection method: clinical testing. Allele origin: germline. Observed: 3 variant alleles.
Comment: BA1, BS2, BP4

Fulgent Genetics
Classification: Likely benign for Hydrocephalus, nonsyndromic, autosomal recessive 1; Spinocerebellar ataxia type 40. Last evaluated: 2022-01-24. Review status: criteria provided, single submitter. Criteria: ACMG Guidelines, 2015. Collection method: clinical testing. Allele origin: unknown.